The following is an entry in ClinVar:

NM_004304.5(ALK):c.1754C>A (p.Ala585Asp)

Gene: ALK (ALK receptor tyrosine kinase; minus strand). Cytogenetic location: 2p23.2.
Variant type: single nucleotide variant.
Coding change: c.1754C>A on transcript NM_004304.5 (MANE Select); coding-DNA position 1754, C replaced by A.
Protein change: p.Ala585Asp; replaces alanine 585 with aspartic acid.
Molecular consequence: missense variant.
Genome position (GRCh38, 1-based): chr2:29,296,951, G>T on the plus strand (C>A on the coding strand, the complement: ALK is on the minus strand). VCF-style: chr2-29296951-G-T. GRCh37 (hg19) VCF-style: chr2-29519817-G-T.
Other names: short protein forms A585D.
Identifiers: ClinVar variation 3223800 (VCV003223800.1), dbSNP rs2465371835, ClinGen allele CA346466135.

ClinVar aggregate classification (germline): Uncertain significance (1 of 4 stars; one submission).

Conditions:
Hereditary cancer-predisposing syndrome. Also called: Tumor predisposition; Hereditary neoplastic syndrome; Hereditary Cancer Syndrome; Neoplastic Syndromes, Hereditary. Identifiers: Orphanet 140162, MedGen C0027672, MeSH D009386, MONDO:0015356.

Submission:

Ambry Genetics
Classification: Uncertain significance for Hereditary cancer-predisposing syndrome. Last evaluated: 2024-03-09. Review status: criteria provided, single submitter. Criteria: Ambry Variant Classification Scheme 2023. Collection method: clinical testing. Allele origin: germline.
Comment: The p.A585D variant (also known as c.1754C>A), located in coding exon 9 of the ALK gene, results from a C to A substitution at nucleotide position 1754. The alanine at codon 585 is replaced by aspartic acid, an amino acid with dissimilar properties. This amino acid position is conserved. In addition, this alteration is predicted to be tolerated by in silico analysis. Based on the available evidence, the clinical significance of this alteration remains unclear.